The following is an entry in ClinVar:

NM_000188.3(HK1):c.968G>A (p.Arg323Gln)

Gene: HK1 (hexokinase 1; plus strand). Cytogenetic location: 10q22.1.
Variant type: single nucleotide variant.
Coding change: c.968G>A on transcript NM_000188.3 (MANE Select); coding-DNA position 968, G replaced by A.
Protein change: p.Arg323Gln; replaces arginine 323 with glutamine.
Molecular consequence: missense variant.
Genome position (GRCh38, 1-based): chr10:69,377,026, G>A. VCF-style: chr10-69377026-G-A. GRCh37 (hg19) VCF-style: chr10-71136782-G-A.
Other names: c.968G>A (NM_000188.2); c.980G>A, p.Arg327Gln (NM_001322364.2, NM_001358263.1, NM_033497.3 and 1 more transcripts); c.1073G>A, p.Arg358Gln (NM_001322365.2); c.884G>A, p.Arg295Gln (NM_001322366.1); c.872G>A, p.Arg291Gln (NM_001322367.1); c.965G>A, p.Arg322Gln (NM_033496.3); c.932G>A, p.Arg311Gln (NM_033500.2); short protein forms R322Q, R358Q, R311Q, R291Q, R295Q, R327Q, R323Q.
Identifiers: ClinVar variation 1346079 (VCV001346079.7), dbSNP rs1336775969, ClinGen allele CA376916212.

ClinVar aggregate classification (germline): Uncertain significance. Review status: criteria provided, multiple submitters, no conflicts (2 of 4 stars). 2 submissions from 2 submitters: Uncertain significance (2). Last evaluated 2025-08-14.

Conditions:
Inborn genetic diseases. Identifiers: MedGen C0950123, MeSH D030342.

Allele frequency attached by ClinVar (database versions not stated): gnomAD exomes 0.00002 and 0.00003; TOPMed 0.00002; gnomAD 0.00003 and 0.00004.
gnomAD v4.1: 44 of 1,614,024 alleles (0.0027%); highest among the groups gnomAD compares: Non-Finnish European, 0.0032%; no homozygotes.

Submissions (2):

Ambry Genetics
Classification: Uncertain significance for Inborn genetic diseases. Last evaluated: 2025-08-14. Review status: criteria provided, single submitter. Criteria: Ambry Variant Classification Scheme 2023. Collection method: clinical testing. Allele origin: germline.

Labcorp Genetics (formerly Invitae), Labcorp
Classification: Uncertain significance. Last evaluated: 2025-01-13. Review status: criteria provided, single submitter. Criteria: Invitae Variant Classification Sherloc (09022015). Collection method: clinical testing. Allele origin: germline.
Comment: This sequence change replaces arginine, which is basic and polar, with glutamine, which is neutral and polar, at codon 323 of the HK1 protein (p.Arg323Gln). This variant is present in population databases (no rsID available, gnomAD 0.003%). This variant has not been reported in the literature in individuals affected with HK1-related conditions. ClinVar contains an entry for this variant (Variation ID: 1346079). Invitae Evidence Modeling of protein sequence and biophysical properties (such as structural, functional, and spatial information, amino acid conservation, physicochemical variation, residue mobility, and thermodynamic stability) indicates that this missense variant is not expected to disrupt HK1 protein function with a negative predictive value of 80%. In summary, the available evidence is currently insufficient to determine the role of this variant in disease. Therefore, it has been classified as a Variant of Uncertain Significance.